The following is an entry in ClinVar:

NM_002890.3(RASA1):c.2461A>G (p.Ile821Val)

Genes: CCNH (cyclin H; minus strand), RASA1 (RAS p21 protein activator 1; plus strand). Cytogenetic location: 5q14.3.
Variant type: single nucleotide variant.
Coding change: c.2461A>G on transcript NM_002890.3 (MANE Select); coding-DNA position 2461, A replaced by G.
Protein change: p.Ile821Val; replaces isoleucine 821 with valine.
Molecular consequence: missense variant. On other transcripts: intron variant (1).
Genome position (GRCh38, 1-based): chr5:87,378,512, A>G. VCF-style: chr5-87378512-A-G. GRCh37 (hg19) VCF-style: chr5-86674329-A-G.
Other names: c.1930A>G, p.Ile644Val (NM_022650.3); c.933+16532T>C (NM_001364075.2); short protein forms I821V, I644V.
Identifiers: ClinVar variation 464858 (VCV000464858.9), dbSNP rs1554049698, ClinGen allele CA360382664.

ClinVar aggregate classification (germline): Uncertain significance (1 of 4 stars; one submission).

Conditions:
Capillary malformation-arteriovenous malformation syndrome. Also called: Capillary malformation-arteriovenous malformation. Identifiers: Orphanet 137667, MedGen C1842180, MONDO:0012016.

Submission:

Labcorp Genetics (formerly Invitae), Labcorp
Classification: Uncertain significance for Capillary malformation-arteriovenous malformation syndrome. Last evaluated: 2022-09-27. Review status: criteria provided, single submitter. Criteria: Invitae Variant Classification Sherloc (09022015). Collection method: clinical testing. Allele origin: germline.
Comment: In summary, the available evidence is currently insufficient to determine the role of this variant in disease. Therefore, it has been classified as a Variant of Uncertain Significance. Algorithms developed to predict the effect of sequence changes on RNA splicing suggest that this variant may create or strengthen a splice site. Algorithms developed to predict the effect of missense changes on protein structure and function (SIFT, PolyPhen-2, Align-GVGD) all suggest that this variant is likely to be disruptive. ClinVar contains an entry for this variant (Variation ID: 464858). This variant has not been reported in the literature in individuals affected with RASA1-related conditions. This variant is not present in population databases (gnomAD no frequency). This sequence change replaces isoleucine, which is neutral and non-polar, with valine, which is neutral and non-polar, at codon 821 of the RASA1 protein (p.Ile821Val).